The following is an entry in ClinVar:

ClinVar aggregate classification (germline): Uncertain significance (1 of 4 stars; one submission).

Conditions:
Malignant hyperthermia, susceptibility to, 1 (MHS1). Also called: Anesthesia related hyperthermia; Malignant hyperpyrexia; Fulminating hyperpyrexia; Pharmacogenic myopathy; RYR1-Related Malignant Hyperthermia Susceptibility; Malignant hyperthermia suceptibility 1. Identifiers: Orphanet 423, MedGen C2930980, MONDO:0007783, OMIM 145600.

Submission:

All of Us Research Program, National Institutes of Health
Classification: Uncertain significance for Malignant hyperthermia, susceptibility to, 1. Last evaluated: 2024-01-11. Review status: criteria provided, single submitter. Criteria: ACMG Guidelines, 2015. Collection method: clinical testing. Allele origin: germline. Inheritance: Autosomal dominant inheritance. Observed: 1 variant allele, 1 heterozygote.
Comment: This study involves interpretation of variants in research participants for the purpose of population health screening. Participant phenotype was not available at the time of variant classification. Additional details can be found in publication PMID: 35346344, PMCID: PMC8962531

NM_000540.3(RYR1):c.4399A>C (p.Lys1467Gln)

Gene: RYR1 (ryanodine receptor 1; plus strand). Cytogenetic location: 19q13.2.
Variant type: single nucleotide variant.
Coding change: c.4399A>C on transcript NM_000540.3 (MANE Select); coding-DNA position 4399, A replaced by C.
Protein change: p.Lys1467Gln; replaces lysine 1467 with glutamine.
Molecular consequence: missense variant.
Genome position (GRCh38, 1-based): chr19:38,477,815, A>C. VCF-style: chr19-38477815-A-C. GRCh37 (hg19) VCF-style: chr19-38968455-A-C.
Other names: c.4399A>C, p.Lys1467Gln (NM_001042723.2); short protein forms K1467Q.
Identifiers: ClinVar variation 3074957 (VCV003074957.1), dbSNP rs2514177893, ClinGen allele CA405646107.